The following is an entry in ClinVar:

NM_000289.6(PFKM):c.190del (p.His64fs)

Gene: PFKM (phosphofructokinase, muscle; plus strand). Cytogenetic location: 12q13.11.
Variant type: Deletion.
Coding change: c.190del on transcript NM_000289.6 (MANE Select); coding-DNA position 190, one base deleted (C; older notation c.190delC).
Protein change: p.His64fs; shifts the reading frame from histidine 64.
Molecular consequence: frameshift variant. On other transcripts: non-coding transcript variant (6).
Genome position (GRCh38, 1-based): chr12:48,131,346, C deleted. VCF-style (leftmost placement, unchanged base first): chr12-48131345-TC-T. GRCh37 (hg19) VCF-style: chr12-48525128-TC-T.
Other names: c.403del, p.His135fs (NM_001166686.2, NM_001354737.1, NM_001354738.1 and 2 more transcripts); c.190del, p.His64fs (NM_001166687.2, NM_001166688.2, NM_001354742.2 and 4 more transcripts); c.499del, p.His167fs (NM_001354735.1, NM_001354736.1); c.334del, p.His112fs (NM_001354740.1); c.214del, p.His72fs (NM_001354741.2); c.103del, p.His35fs (NM_001354745.2); c.40del, p.His14fs (NM_001354747.2, NM_001354748.2); short protein forms H112fs, H135fs, H14fs, H167fs, H35fs, H64fs, H72fs.
Identifiers: ClinVar variation 5014284 (VCV005014284.1).

ClinVar aggregate classification (germline): Pathogenic (1 of 4 stars; one submission).

Conditions:
Glycogen storage disease, type VII (GSD7). Also called: GSD VII; MUSCLE PHOSPHOFRUCTOKINASE DEFICIENCY; PFKM DEFICIENCY; TARUI DISEASE. Identifiers: Orphanet 371, MedGen C0017926, MONDO:0009295, OMIM 232800.

Submission:

Myriad Genetics, Inc.
Classification: Pathogenic for Glycogen storage disease, type VII. Last evaluated: 2025-04-01. Review status: criteria provided, single submitter. Criteria: Myriad Autosomal Dominant, Autosomal Recessive and X-Linked Classification Criteria (2023). Collection method: clinical testing. Allele origin: unknown.
Comment: NM_001166686.1(PFKM):c.403delC(H135Tfs*12) is expected to be pathogenic in the context of glycogen storage disease, PFKM-related. This variant is predicted to lead to an abnormal or absent protein product due to the creation of a premature termination codon in PFKM, a gene where loss-of-function variants are known to be pathogenic. Please note: this variant was assessed in the context of healthy population screening.